The following is an entry in ClinVar:

ClinVar aggregate classification (germline): Uncertain significance. Review status: criteria provided, multiple submitters, no conflicts (2 of 4 stars). 2 submissions from 2 submitters: Uncertain significance (2). Last evaluated 2024-03-07.

Conditions:
Cardiovascular phenotype. Identifiers: MedGen CN230736.
Progressive familial heart block type IB (PFHB1B). Identifiers: Orphanet 871, MedGen C1970298, MONDO:0011474, OMIM 604559.

Allele frequency attached by ClinVar (database versions not stated): gnomAD exomes below 0.00001.
gnomAD v4.1: 2 of 1,599,130 alleles (0.00013%); highest among the groups gnomAD compares: Non-Finnish European, 0.00017%; no homozygotes.

Submissions (2):

Ambry Genetics
Classification: Uncertain significance for Cardiovascular phenotype. Last evaluated: 2024-03-07. Review status: criteria provided, single submitter. Criteria: Ambry Variant Classification Scheme 2023. Collection method: clinical testing. Allele origin: germline.
Comment: The p.S1196T variant (also known as c.3586T>A), located in coding exon 24 of the TRPM4 gene, results from a T to A substitution at nucleotide position 3586. The serine at codon 1196 is replaced by threonine, an amino acid with similar properties. This amino acid position is highly conserved in available vertebrate species. In addition, this alteration is predicted to be tolerated by in silico analysis. Since supporting evidence is limited at this time, the clinical significance of this alteration remains unclear.

Labcorp Genetics (formerly Invitae), Labcorp
Classification: Uncertain significance for Progressive familial heart block type IB. Last evaluated: 2022-03-26. Review status: criteria provided, single submitter. Criteria: Invitae Variant Classification Sherloc (09022015). Collection method: clinical testing. Allele origin: germline.
Comment: The frequency data for this variant in the population databases is considered unreliable, as metrics indicate poor data quality at this position in the gnomAD database. In summary, the available evidence is currently insufficient to determine the role of this variant in disease. Therefore, it has been classified as a Variant of Uncertain Significance. Algorithms developed to predict the effect of missense changes on protein structure and function (SIFT, PolyPhen-2, Align-GVGD) all suggest that this variant is likely to be tolerated. This variant has not been reported in the literature in individuals affected with TRPM4-related conditions. This sequence change replaces serine, which is neutral and polar, with threonine, which is neutral and polar, at codon 1196 of the TRPM4 protein (p.Ser1196Thr).

NM_017636.4(TRPM4):c.3586T>A (p.Ser1196Thr)

Gene: TRPM4 (transient receptor potential cation channel subfamily M member 4; plus strand). Cytogenetic location: 19q13.33.
Variant type: single nucleotide variant.
Coding change: c.3586T>A on transcript NM_017636.4 (MANE Select); coding-DNA position 3586, T replaced by A.
Protein change: p.Ser1196Thr; replaces serine 1196 with threonine.
Molecular consequence: missense variant.
Genome position (GRCh38, 1-based): chr19:49,211,215, T>A. VCF-style: chr19-49211215-T-A. GRCh37 (hg19) VCF-style: chr19-49714472-T-A.
Other names: c.3151T>A, p.Ser1051Thr (NM_001195227.2); c.3241T>A, p.Ser1081Thr (NM_001321281.2); c.1978T>A, p.Ser660Thr (NM_001321282.2); c.3064T>A, p.Ser1022Thr (NM_001321283.2); c.2524T>A, p.Ser842Thr (NM_001321285.2); short protein forms S1022T, S1081T, S1196T, S660T, S1051T, S842T.
Identifiers: ClinVar variation 1732949 (VCV001732949.7), dbSNP rs1232785802, ClinGen allele CA406773724.